The following is an entry in ClinVar:

NM_001042492.3(NF1):c.1671C>T (p.Ser557=)

Gene: NF1 (neurofibromin 1; plus strand). Cytogenetic location: 17q11.2.
Variant type: single nucleotide variant.
Coding change: c.1671C>T on transcript NM_001042492.3 (MANE Select); coding-DNA position 1671, C replaced by T.
Protein change: p.Ser557=; no amino-acid change (serine 557 retained).
Molecular consequence: synonymous variant.
Genome position (GRCh38, 1-based): chr17:31,221,879, C>T. VCF-style: chr17-31221879-C-T. GRCh37 (hg19) VCF-style: chr17-29548897-C-T.
Other names: c.1671C>T, p.Ser557= (NM_000267.4, NM_001128147.3).
Identifiers: ClinVar variation 819791 (VCV000819791.13), dbSNP rs1440915203, ClinGen allele CA499228292.

ClinVar aggregate classification (germline): Benign/Likely benign. Review status: criteria provided, multiple submitters, no conflicts (2 of 4 stars). 4 submissions from 4 submitters: Benign (1); Likely benign (3). Last evaluated 2026-09-29.

Conditions:
Cardiovascular phenotype. Identifiers: MedGen CN230736.
Hereditary cancer-predisposing syndrome. Also called: Hereditary neoplastic syndrome; Neoplastic Syndromes, Hereditary; Tumor predisposition; Hereditary Cancer Syndrome. Identifiers: Orphanet 140162, MedGen C0027672, MeSH D009386, MONDO:0015356.
Neurofibromatosis, type 1 (NF1). Also called: Neurofibromatosis, type I; Peripheral type neurofibromatosis; VON RECKLINGHAUSEN DISEASE; NEUROFIBROMATOSIS, TYPE I, SOMATIC. Identifiers: Orphanet 636, MedGen C0027831, MONDO:0018975, OMIM 162200. Disease mechanism: loss of function.

Allele frequency attached by ClinVar (database versions not stated): gnomAD exomes below 0.00001.
gnomAD v4.1: 2 of 1,606,662 alleles (0.00012%); highest among the groups gnomAD compares: South Asian, 0.0011%; no homozygotes.

Submissions (4):

Myriad Genetics, Inc.
Classification: Benign for Neurofibromatosis, type 1. Last evaluated: 2026-09-29. Review status: criteria provided, single submitter. Criteria: Myriad Autosomal Dominant, Autosomal Recessive and X-Linked Classification Criteria (2023). Collection method: clinical testing. Allele origin: unknown.
Comment: This variant is considered benign. This variant is a silent/synonymous amino acid change and it is not expected to impact splicing.

Labcorp Genetics (formerly Invitae), Labcorp
Classification: Likely benign for Neurofibromatosis, type 1. Last evaluated: 2023-08-03. Review status: criteria provided, single submitter. Criteria: Invitae Variant Classification Sherloc (09022015). Collection method: clinical testing. Allele origin: germline.

Genome-Nilou Lab
Classification: Likely benign for Neurofibromatosis, type 1. Last evaluated: 2022-03-15. Review status: criteria provided, single submitter. Criteria: ACMG Guidelines, 2015. Collection method: clinical testing. Allele origin: germline. Affected: no.

Ambry Genetics
Classification: Likely benign for Cardiovascular phenotype; Hereditary cancer-predisposing syndrome. Last evaluated: 2019-08-29. Review status: criteria provided, single submitter. Criteria: Ambry Variant Classification Scheme 2023. Collection method: clinical testing. Allele origin: germline.